The following is an entry in ClinVar:

ClinVar aggregate classification (germline): Uncertain significance. Review status: criteria provided, multiple submitters, no conflicts (2 of 4 stars). 3 submissions from 3 submitters: Uncertain significance (3). Last evaluated 2025-12-18.

Conditions:
Hereditary cancer-predisposing syndrome. Also called: Hereditary Cancer Syndrome; Neoplastic Syndromes, Hereditary; Tumor predisposition; Hereditary neoplastic syndrome. Identifiers: Orphanet 140162, MedGen C0027672, MeSH D009386, MONDO:0015356.
Lung carcinoma. Identifiers: MedGen C0684249, MONDO:0005138.

Allele frequency attached by ClinVar (database versions not stated): gnomAD exomes below 0.00001.
gnomAD v4.1: 1 of 1,612,732 alleles (0.000062%); highest among the groups gnomAD compares: African/African-American, 0.0013%; no homozygotes.

Submissions (3):

Dasa
Classification: Uncertain significance. Last evaluated: 2025-12-18. Review status: criteria provided, single submitter. Criteria: DASA Assertion Criteria. Collection method: clinical testing. Allele origin: germline.
Comment: NM_005228.5(EGFR):c.3320A>G (p.Asn1107Ser) is a missense variant that results in the substitution of asparagine with serine. This variant is rare in population databases. The currently available literature and clinical evidence are not sufficient to establish a definitive association between this variant and the reported condition. Therefore, this variant is classified as a variant of uncertain significance.

Ambry Genetics
Classification: Uncertain significance for Hereditary cancer-predisposing syndrome. Last evaluated: 2025-05-19. Review status: criteria provided, single submitter. Criteria: Ambry Variant Classification Scheme 2023. Collection method: clinical testing. Allele origin: germline.
Comment: The p.N1107S variant (also known as c.3320A>G), located in coding exon 28 of the EGFR gene, results from an A to G substitution at nucleotide position 3320. The asparagine at codon 1107 is replaced by serine, an amino acid with highly similar properties. This amino acid position is well conserved in available vertebrate species. In addition, this alteration is predicted to be tolerated by in silico analysis. Based on the available evidence, the clinical significance of this variant remains unclear.

Mendelics
Classification: Uncertain significance for Lung cancer. Last evaluated: 2019-05-28. Review status: criteria provided, single submitter. Criteria: Mendelics Assertion Criteria 2017. Collection method: clinical testing. Allele origin: unknown.

NM_005228.5(EGFR):c.3320A>G (p.Asn1107Ser)

Gene: EGFR (epidermal growth factor receptor; plus strand). Cytogenetic location: 7p11.2.
Variant type: single nucleotide variant.
Coding change: c.3320A>G on transcript NM_005228.5 (MANE Select); coding-DNA position 3320, A replaced by G.
Protein change: p.Asn1107Ser; replaces asparagine 1107 with serine.
Molecular consequence: missense variant.
Genome position (GRCh38, 1-based): chr7:55,205,304, A>G. VCF-style: chr7-55205304-A-G. GRCh37 (hg19) VCF-style: chr7-55272997-A-G.
Other names: c.3185A>G, p.Asn1062Ser (NM_001346899.2); c.3161A>G, p.Asn1054Ser (NM_001346900.2); c.2519A>G, p.Asn840Ser (NM_001346941.2); c.3320A>G (NM_005228.3); short protein forms N1107S, N840S, N1062S, N1054S.
Identifiers: ClinVar variation 802321 (VCV000802321.4), dbSNP rs918187279, ClinGen allele CA158940457.
Genomic context (GRCh38, chr7:55,205,304, plus strand): 5'-TTCCACTTTCAGAATACATAAACCAGTCCGTTCCCAAAAGGCCCGCTGGCTCTGTGCAGA[A>G]TCCTGTCTATCACAATCAGCCTCTGAACCCCGCGCCCAGCAGAGACCCACACTACCAGGA-3'
Protein context (NP_005219.2, residues 1097-1117): VPKRPAGSVQ[Asn1107Ser]PVYHNQPLNP